The following is an entry in ClinVar:

NM_000038.6(APC):c.3275A>C (p.His1092Pro)

Gene: APC (APC regulator of Wnt signaling pathway; plus strand). Cytogenetic location: 5q22.2.
Variant type: single nucleotide variant.
Coding change: c.3275A>C on transcript NM_000038.6 (MANE Select); coding-DNA position 3275, A replaced by C.
Protein change: p.His1092Pro; replaces histidine 1092 with proline.
Molecular consequence: missense variant.
Genome position (GRCh38, 1-based): chr5:112,838,869, A>C. VCF-style: chr5-112838869-A-C. GRCh37 (hg19) VCF-style: chr5-112174566-A-C.
Other names: p.H1092P:CAT>CCT; c.3275A>C, p.His1092Pro (NM_001127510.3, NM_001354895.2); c.3221A>C, p.His1074Pro (NM_001127511.3); c.3329A>C, p.His1110Pro (NM_001354896.2); c.3305A>C, p.His1102Pro (NM_001354897.2); c.3200A>C, p.His1067Pro (NM_001354898.2); c.3191A>C, p.His1064Pro (NM_001354899.2); c.3152A>C, p.His1051Pro (NM_001354900.2); and 6 more; short protein forms H1092P, H1074P, H1001P, H1033P, H1067P, H1110P, H932P, H991P.
Identifiers: ClinVar variation 127286 (VCV000127286.25), dbSNP rs587779788, ClinGen allele CA008224.

ClinVar aggregate classification (germline): Uncertain significance. Review status: criteria provided, multiple submitters, no conflicts (2 of 4 stars). 9 submissions from 9 submitters: Uncertain significance (8). 1 of the submissions does not count toward it. Last evaluated 2025-09-11.

Conditions:
Familial adenomatous polyposis 1 (FAP1). Also called: POLYPOSIS, ADENOMATOUS INTESTINAL; FAMILIAL ADENOMATOUS POLYPOSIS 1, ATTENUATED. Identifiers: MedGen C2713442, MONDO:0021056, OMIM 175100. Disease mechanism: loss of function.
Hereditary cancer-predisposing syndrome. Also called: Tumor predisposition; Hereditary neoplastic syndrome; Neoplastic Syndromes, Hereditary; Hereditary Cancer Syndrome. Identifiers: Orphanet 140162, MedGen C0027672, MeSH D009386, MONDO:0015356.

Allele frequency attached by ClinVar (database versions not stated): TOPMed below 0.00001.

Submissions (9):

Labcorp Genetics (formerly Invitae), Labcorp
Classification: Uncertain significance for Familial adenomatous polyposis 1. Last evaluated: 2025-09-11. Review status: criteria provided, single submitter. Criteria: Invitae Variant Classification Sherloc (09022015). Collection method: clinical testing. Allele origin: germline.
Comment: This sequence change replaces histidine, which is basic and polar, with proline, which is neutral and non-polar, at codon 1092 of the APC protein (p.His1092Pro). This variant is not present in population databases (gnomAD no frequency). This variant has not been reported in the literature in individuals affected with APC-related conditions. ClinVar contains an entry for this variant (Variation ID: 127286). Invitae Evidence Modeling of protein sequence and biophysical properties (such as structural, functional, and spatial information, amino acid conservation, physicochemical variation, residue mobility, and thermodynamic stability) indicates that this missense variant is not expected to disrupt APC protein function with a negative predictive value of 95%. In summary, the available evidence is currently insufficient to determine the role of this variant in disease. Therefore, it has been classified as a Variant of Uncertain Significance.

Ambry Genetics
Classification: Uncertain significance for Hereditary cancer-predisposing syndrome. Last evaluated: 2025-04-23. Review status: criteria provided, single submitter. Criteria: Ambry Variant Classification Scheme 2023. Collection method: clinical testing. Allele origin: germline.
Comment: The p.H1092P variant (also known as c.3275A>C), located in coding exon 15 of the APC gene, results from an A to C substitution at nucleotide position 3275. The histidine at codon 1092 is replaced by proline, an amino acid with similar properties. This amino acid position is well conserved in available vertebrate species. Missense alterations in APC are not a common cause of disease (Spier I et al. Genet Med. 2024 Feb;26(2):100992). In addition, in silico predictors for this gene do not accurately predict pathogenicity. Since supporting evidence is limited at this time, the clinical significance of this alteration remains unclear.

Myriad Genetics, Inc.
Classification: Uncertain significance for Familial adenomatous polyposis 1. Last evaluated: 2023-02-22. Review status: criteria provided, single submitter. Criteria: Myriad Autosomal Dominant, Autosomal Recessive and X-Linked Classification Criteria (2023). Collection method: clinical testing. Allele origin: unknown.
Comment: This variant is classified as a variant of uncertain significance as there is insufficient evidence to determine its impact on protein function and/or cancer risk.

GeneDx
Classification: Uncertain significance. Last evaluated: 2022-12-22. Review status: criteria provided, single submitter. Criteria: GeneDx Variant Classification Process June 2021. Collection method: clinical testing. Allele origin: germline. Affected: yes.
Comment: Not observed at significant frequency in large population cohorts (gnomAD); In silico analysis supports that this missense variant does not alter protein structure/function; Has not been previously published as pathogenic or benign to our knowledge; This variant is associated with the following publications: (PMID: 18199528)

Blueprint Genetics
Classification: Uncertain significance. Last evaluated: 2022-06-02. Review status: criteria provided, single submitter. Criteria: ACMG Guidelines, 2015. Collection method: clinical testing. Allele origin: germline.

Sema4
Classification: Uncertain significance for Hereditary cancer-predisposing syndrome. Last evaluated: 2021-05-10. Review status: criteria provided, single submitter. Criteria: Sema4 Curation Guidelines. Collection method: curation. Allele origin: germline.
Comment: The APC c.3275A>C (p.H1092P) variant has not been reported in the literature to our knowledge. It was not observed in the large and broad cohorts of the Genome Aggregation Database (PMID: 32461654). This variant has been reported in ClinVar (Variation ID 127286). Functional studies have not been performed, and in silico predictions of the variant's effect on protein function are inconclusive. The evidence is insufficient to meet ACMG/AMP criteria for classifying the variant as benign or pathogenic. Thus, the clinical significance of this variant is currently uncertain.

Color Diagnostics, LLC DBA Color Health
Classification: Uncertain significance for Hereditary cancer-predisposing syndrome. Last evaluated: 2020-12-07. Review status: criteria provided, single submitter. Criteria: ACMG Guidelines, 2015. Collection method: clinical testing. Allele origin: germline.
Comment: This missense variant replaces histidine with proline at codon 1092 of the APC protein. Computational prediction suggests that this variant may not impact protein structure and function (internally defined REVEL score threshold <= 0.5, PMID: 27666373). To our knowledge, functional studies have not been reported for this variant. This variant has not been reported in individuals affected with hereditary cancer in the literature. This variant has not been identified in the general population by the Genome Aggregation Database (gnomAD). The available evidence is insufficient to determine the role of this variant in disease conclusively. Therefore, this variant is classified as a Variant of Uncertain Significance.

Mendelics
Classification: Uncertain significance for Familial adenomatous polyposis 1. Last evaluated: 2018-07-02. Review status: criteria provided, single submitter. Criteria: Mendelics Assertion Criteria 2017. Collection method: clinical testing. Allele origin: unknown.

Counsyl
Classification: Uncertain significance for Familial adenomatous polyposis 1. Last evaluated: 2015-12-18. Review status: no assertion criteria provided. Collection method: clinical testing. Allele origin: unknown. Not counted in ClinVar's aggregate classification.